The following is an entry in ClinVar:

ClinVar aggregate classification (germline): Likely benign (0 of 4 stars; one submission).

Conditions:
CFAP43-related disorder. Also called: CFAP43-related condition.

Allele frequency attached by ClinVar (database versions not stated): ExAC 0.00004; gnomAD 0.00007; TOPMed 0.00011; ESP Exome Variant Server 0.00015.
gnomAD v4.1: 106 of 1,614,140 alleles (0.0066%); highest among the groups gnomAD compares: Middle Eastern, 0.016%; no homozygotes.

Submission:

PreventionGenetics, part of Exact Sciences
Classification: Likely benign for CFAP43-related condition. Last evaluated: 2019-07-16. Review status: no assertion criteria provided. Collection method: clinical testing. Allele origin: germline.
Comment: This variant is classified as likely benign based on ACMG/AMP sequence variant interpretation guidelines (Richards et al. 2015 PMID: 25741868, with internal and published modifications).

NM_025145.7(CFAP43):c.3273G>A (p.Pro1091=)

Gene: CFAP43 (cilia and flagella associated protein 43; minus strand). Cytogenetic location: 10q25.1.
Variant type: single nucleotide variant.
Coding change: c.3273G>A on transcript NM_025145.7 (MANE Select); coding-DNA position 3273, G replaced by A.
Protein change: p.Pro1091=; no amino-acid change (proline 1091 retained).
Molecular consequence: synonymous variant.
Genome position (GRCh38, 1-based): chr10:104,162,377, C>T on the plus strand (G>A on the coding strand, the complement: CFAP43 is on the minus strand). VCF-style: chr10-104162377-C-T. GRCh37 (hg19) VCF-style: chr10-105922135-C-T.
Identifiers: ClinVar variation 3049361 (VCV003049361.2), dbSNP rs151017050, ClinGen allele CA5680361.
Genomic context (GRCh38, chr10:104,162,377, plus strand): 5'-CTGTATCAGAAGCCAGTGCTCCTTTTCATGATTCACGATCAATTCTTTGGCTTTGTGCCA[C>T]GGCTTAATGTGTTTGTGGGCTGTAATCTGAAAGAGAAAATGTCATTTCCTGCTATTATTC-3'
Protein context (NP_079421.5, residues 1081-1101): EEITAHKHIK[Pro1091=]WHKAKELIVN